The following is an entry in ClinVar:

ClinVar aggregate classification (germline): Likely benign (1 of 4 stars; one submission).

Conditions:
GDF3-related disorder. Also called: GDF3-related condition.

gnomAD v4.1: 142 of 1,614,106 alleles (0.0088%); highest among the groups gnomAD compares: African/African-American, 0.17%; no homozygotes.

Submission:

PreventionGenetics, part of Exact Sciences
Classification: Likely benign for GDF3-related condition. Last evaluated: 2025-09-24. Review status: criteria provided, single submitter. Criteria: ACMG Guidelines, 2015. Collection method: clinical testing. Allele origin: germline.
Comment: This variant is classified as likely benign based on ACMG/AMP sequence variant interpretation guidelines (Richards et al. 2015 PMID: 25741868, with internal and published modifications).

NM_020634.3(GDF3):c.57C>T (p.Gly19=)

Gene: GDF3 (growth differentiation factor 3; minus strand). Cytogenetic location: 12p13.31.
Variant type: single nucleotide variant.
Coding change: c.57C>T on transcript NM_020634.3 (MANE Select); coding-DNA position 57, C replaced by T.
Protein change: p.Gly19=; no amino-acid change (glycine 19 retained).
Molecular consequence: synonymous variant.
Genome position (GRCh38, 1-based): chr12:7,695,672, G>A on the plus strand (C>T on the coding strand, the complement: GDF3 is on the minus strand). VCF-style: chr12-7695672-G-A. GRCh37 (hg19) VCF-style: chr12-7848268-G-A.
Identifiers: ClinVar variation 4980500 (VCV004980500.1).